The following is an entry in ClinVar:

NM_004187.5(KDM5C):c.4041C>A (p.Val1347=)

Gene: KDM5C (lysine demethylase 5C; minus strand). Cytogenetic location: Xp11.22.
Variant type: single nucleotide variant.
Coding change: c.4041C>A on transcript NM_004187.5 (MANE Select); coding-DNA position 4041, C replaced by A.
Protein change: p.Val1347=; no amino-acid change (valine 1347 retained).
Molecular consequence: synonymous variant. On other transcripts: non-coding transcript variant (3).
Genome position (GRCh38, 1-based): chrX:53,193,849, G>T on the plus strand (C>A on the coding strand, the complement: KDM5C is on the minus strand). VCF-style: chrX-53193849-G-T. GRCh37 (hg19) VCF-style: chrX-53223031-G-T.
Other names: c.3840C>A, p.Val1280= (NM_001146702.2); c.4038C>A, p.Val1346= (NM_001282622.3, NM_001353979.2, NM_001353982.2); c.4041C>A, p.Val1347= (NM_001353978.3, NM_001353981.2, NM_001353984.2).
Identifiers: ClinVar variation 3383475 (VCV003383475.3).

ClinVar aggregate classification (germline): Uncertain significance (1 of 4 stars; one submission).

Submission:

GeneDx
Classification: Uncertain significance. Last evaluated: 2025-09-08. Review status: criteria provided, single submitter. Criteria: GeneDx Variant Classification Process June 2021. Collection method: clinical testing. Allele origin: germline. Affected: yes.
Comment: Has not been previously published as pathogenic or benign to our knowledge; In silico analysis suggests this variant may impact gene splicing. In the absence of RNA/functional studies, the actual effect of this sequence change is unknown.